The following is an entry in ClinVar:

ClinVar aggregate classification (germline): Pathogenic (1 of 4 stars; one submission).

Conditions:
LAMA2-related muscular dystrophy (LAMA2-RD). Also called: Laminin alpha 2-related dystrophy. Identifiers: MedGen C5679788, MONDO:0100228.

Submission:

Labcorp Genetics (formerly Invitae), Labcorp
Classification: Pathogenic for LAMA2-related muscular dystrophy. Last evaluated: 2021-07-20. Review status: criteria provided, single submitter. Criteria: Invitae Variant Classification Sherloc (09022015). Collection method: clinical testing. Allele origin: germline.
Comment: This variant is not present in population databases (ExAC no frequency). For these reasons, this variant has been classified as Pathogenic. This variant has not been reported in the literature in individuals affected with LAMA2-related conditions. This sequence change creates a premature translational stop signal (p.Pro208Thrfs*21) in the LAMA2 gene. It is expected to result in an absent or disrupted protein product. Loss-of-function variants in LAMA2 are known to be pathogenic (PMID: 18700894).

Literature cited by the submitters: PubMed 18700894.

NM_000426.4(LAMA2):c.618_621dup (p.Pro208fs)

Gene: LAMA2 (laminin subunit alpha 2; plus strand). Cytogenetic location: 6q22.33.
Variant type: Microsatellite.
Coding change: c.618_621dup on transcript NM_000426.4 (MANE Select); coding-DNA positions 618 to 621, 4 bases duplicated (ACAC; older notation c.618_621dupACAC).
Protein change: p.Pro208fs; shifts the reading frame from proline 208.
Molecular consequence: frameshift variant.
Genome position (GRCh38, 1-based): chr6:129,098,394-129,098,397, ACAC duplicated. VCF-style (leftmost placement, unchanged base first): chr6-129098393-T-TACAC. GRCh37 (hg19) VCF-style: chr6-129419538-T-TACAC.
Other names: c.618_621dup, p.Pro208fs (NM_001079823.2); short protein forms P208fs.
Identifiers: ClinVar variation 1960916 (VCV001960916.5), dbSNP rs2482428540, ClinGen allele CA2580617335.
Genomic context (GRCh38, chr6:129,098,393, plus strand): 5'-CTGGGCCACCGTCATATGCCAAAGATGATGAGGTCATCTGCACTTCATTTTACTCCAAGA[T>TACAC]ACACCCCTTAGAAAATGGAGAGGTAAGATGAGAAAACTCACCATTTAAGCACATTTGATA-3'